The following is an entry in ClinVar:

ClinVar aggregate classification (germline): Uncertain significance. Review status: criteria provided, multiple submitters, no conflicts (2 of 4 stars). 2 submissions from 2 submitters: Uncertain significance (2). Last evaluated 2023-11-10.

Conditions:
Hereditary cancer-predisposing syndrome. Also called: Neoplastic Syndromes, Hereditary; Tumor predisposition; Hereditary Cancer Syndrome; Hereditary neoplastic syndrome. Identifiers: Orphanet 140162, MedGen C0027672, MeSH D009386, MONDO:0015356.
Neuroblastoma, susceptibility to, 3. Also called: ALK-Related Neuroblastic Tumor Susceptibility. Identifiers: Orphanet 635, MedGen C2751681, MONDO:0013083, OMIM 613014.

Allele frequency attached by ClinVar (database versions not stated): gnomAD exomes 0.00001.
gnomAD v4.1: 8 of 1,614,208 alleles (0.0005%); highest among the groups gnomAD compares: South Asian, 0.0077%; no homozygotes.

Submissions (2):

Ambry Genetics
Classification: Uncertain significance for Hereditary cancer-predisposing syndrome. Last evaluated: 2023-11-10. Review status: criteria provided, single submitter. Criteria: Ambry Variant Classification Scheme 2023. Collection method: clinical testing. Allele origin: germline.
Comment: The p.H1493R variant (also known as c.4478A>G), located in coding exon 29 of the ALK gene, results from an A to G substitution at nucleotide position 4478. The histidine at codon 1493 is replaced by arginine, an amino acid with highly similar properties. This amino acid position is conserved. In addition, this alteration is predicted to be tolerated by in silico analysis. Since supporting evidence is limited at this time, the clinical significance of this alteration remains unclear.

Labcorp Genetics (formerly Invitae), Labcorp
Classification: Uncertain significance for Neuroblastoma, susceptibility to, 3. Last evaluated: 2022-10-04. Review status: criteria provided, single submitter. Criteria: Invitae Variant Classification Sherloc (09022015). Collection method: clinical testing. Allele origin: germline.
Comment: This variant has not been reported in the literature in individuals affected with ALK-related conditions. Algorithms developed to predict the effect of missense changes on protein structure and function output the following: SIFT: "Tolerated"; PolyPhen-2: "Benign"; Align-GVGD: "Class C0". The arginine amino acid residue is found in multiple mammalian species, which suggests that this missense change does not adversely affect protein function. In summary, the available evidence is currently insufficient to determine the role of this variant in disease. Therefore, it has been classified as a Variant of Uncertain Significance. This variant is present in population databases (no rsID available, gnomAD 0.003%). This sequence change replaces histidine, which is basic and polar, with arginine, which is basic and polar, at codon 1493 of the ALK protein (p.His1493Arg).

NM_004304.5(ALK):c.4478A>G (p.His1493Arg)

Gene: ALK (ALK receptor tyrosine kinase; minus strand). Cytogenetic location: 2p23.2.
Variant type: single nucleotide variant.
Coding change: c.4478A>G on transcript NM_004304.5 (MANE Select); coding-DNA position 4478, A replaced by G.
Protein change: p.His1493Arg; replaces histidine 1493 with arginine.
Molecular consequence: missense variant.
Genome position (GRCh38, 1-based): chr2:29,193,609, T>C on the plus strand (A>G on the coding strand, the complement: ALK is on the minus strand). VCF-style: chr2-29193609-T-C. GRCh37 (hg19) VCF-style: chr2-29416475-T-C.
Other names: c.1274A>G, p.His425Arg (NM_001353765.2); c.4478A>G (NM_004304.4); short protein forms H1493R, H425R.
Identifiers: ClinVar variation 2178936 (VCV002178936.5), dbSNP rs747759910, ClinGen allele CA346461951.